The following is an entry in ClinVar:

NM_006121.4(KRT1):c.1638C>T (p.Gly546=)

Gene: KRT1 (keratin 1; minus strand). Cytogenetic location: 12q13.13.
Variant type: single nucleotide variant.
Coding change: c.1638C>T on transcript NM_006121.4 (MANE Select); coding-DNA position 1638, C replaced by T.
Protein change: p.Gly546=; no amino-acid change (glycine 546 retained).
Molecular consequence: synonymous variant.
Genome position (GRCh38, 1-based): chr12:52,675,490, G>A on the plus strand (C>T on the coding strand, the complement: KRT1 is on the minus strand). VCF-style: chr12-52675490-G-A. GRCh37 (hg19) VCF-style: chr12-53069274-G-A.
Other names: c.1638C>T (NM_006121.3).
Identifiers: ClinVar variation 1907698 (VCV001907698.11), dbSNP rs774367908, ClinGen allele CA6586088.
Genomic context (GRCh38, chr12:52,675,490, plus strand): 5'-ATAGCTGCCACCTCCGGAGCCGTAGCTGCTACCTCCGGAGCCATAGCTGCCACGGCCGCC[G>A]CCGCCGCCACCTCCAGAACCATAGCTACCACCTCCGGAGCCATAGCTGCTACCTCCAGAG-3'
Protein context (NP_006112.3, residues 536-556): GGSYGSGGGG[Gly546=]GGRGSYGSGG

ClinVar aggregate classification (germline): Likely benign. Review status: criteria provided, multiple submitters, no conflicts (2 of 4 stars). 3 submissions from 3 submitters: Likely benign (2). 1 of the submissions does not count toward it. Last evaluated 2026-01-01.

Conditions:
KRT1-related disorder. Also called: KRT1-related condition.

Allele frequency attached by ClinVar (database versions not stated): gnomAD exomes 0.00001; TOPMed 0.00002; ExAC 0.00003; gnomAD 0.00003.
gnomAD v4.1: 20 of 1,546,442 alleles (0.0013%); highest among the groups gnomAD compares: East Asian, 0.0046%; no homozygotes.

Submissions (3):

CeGaT Center for Human Genetics Tuebingen
Classification: Likely benign. Last evaluated: 2026-01-01. Review status: criteria provided, single submitter. Criteria: CeGaT Center For Human Genetics Tuebingen Variant Classification Criteria Version 2. Collection method: clinical testing. Allele origin: germline. Affected: yes. Observed: 1 variant allele.
Comment: KRT1: BP4, BP7

Labcorp Genetics (formerly Invitae), Labcorp
Classification: Likely benign. Last evaluated: 2024-04-15. Review status: criteria provided, single submitter. Criteria: Invitae Variant Classification Sherloc (09022015). Collection method: clinical testing. Allele origin: germline.

PreventionGenetics, part of Exact Sciences
Classification: Likely benign for KRT1-related condition. Last evaluated: 2019-05-31. Review status: no assertion criteria provided. Collection method: clinical testing. Allele origin: germline. Not counted in ClinVar's aggregate classification.
Comment: This variant is classified as likely benign based on ACMG/AMP sequence variant interpretation guidelines (Richards et al. 2015 PMID: 25741868, with internal and published modifications).